The following is an entry in ClinVar:

NM_001267550.2(TTN):c.107377+14C>T

Genes: TTN (titin; minus strand), TTN-AS1 (TTN antisense RNA 1; plus strand). Cytogenetic location: 2q31.2.
Variant type: single nucleotide variant.
Coding change: c.107377+14C>T on transcript NM_001267550.2 (MANE Select); 14 bases into the intron after coding-DNA position 107377, C replaced by T.
Molecular consequence: intron variant.
Genome position (GRCh38, 1-based): chr2:178,528,260, G>A on the plus strand (C>T on the coding strand, the complement: TTN is on the minus strand). VCF-style: chr2-178528260-G-A. GRCh37 (hg19) VCF-style: chr2-179392987-G-A.
Other names: c.80182+14C>T (NM_003319.4); c.80758+14C>T (NM_133437.4); c.80557+14C>T (NM_133432.3); c.99673+14C>T (NM_133378.4); c.102454+14C>T (NM_001256850.1).
Identifiers: ClinVar variation 178151 (VCV000178151.29), dbSNP rs367908657, ClinGen allele CA181556.

ClinVar aggregate classification (germline): Conflicting classifications of pathogenicity. Review status: criteria provided, conflicting classifications (1 of 4 stars). 13 submissions from 9 submitters: Uncertain significance (3); Benign (1); Likely benign (7). 2 of the submissions do not count toward it. Last evaluated 2026-02-01.

Conditions:
Dilated cardiomyopathy 1G (CMD1G). Identifiers: Orphanet 154, MedGen C1858763, MONDO:0011400, OMIM 604145.
Autosomal recessive limb-girdle muscular dystrophy type 2J (LGMDR10). Also called: Limb-girdle muscular dystrophy, type 2J; MUSCULAR DYSTROPHY, LIMB-GIRDLE, AUTOSOMAL RECESSIVE 10. Identifiers: Orphanet 140922, MedGen C1837342, MONDO:0012127, OMIM 608807.
Early-onset myopathy with fatal cardiomyopathy (CMYO5). Also called: Salih Myopathy; CONGENITAL MYOPATHY 5 WITH CARDIOMYOPATHY. Identifiers: Orphanet 289377, MedGen C2673677, MONDO:0012714, OMIM 611705. Disease mechanism: loss of function.
Myopathy, myofibrillar, 9, with early respiratory failure (MFM9). Also called: MYOPATHY, PROXIMAL, WITH EARLY RESPIRATORY MUSCLE INVOLVEMENT; Hereditary myopathy with early respiratory failure; Myopathy, distal, with early respiratory failure, autosomal dominant; EDSTROM MYOPATHY. Identifiers: Orphanet 34521, MedGen C1863599, MONDO:0011362, OMIM 603689, Orphanet 178464.
Tibial muscular dystrophy (TMD). Also called: Udd Distal Myopathy – Tibial Muscular Dystrophy; UDD MYOPATHY; Tibial muscular dystrophy, tardive. Identifiers: Orphanet 609, MedGen C1838244, MONDO:0010870, OMIM 600334.

Allele frequency attached by ClinVar (database versions not stated): gnomAD 0.00024 and 0.00022; ESP Exome Variant Server 0.00025; gnomAD exomes 0.00045 and 0.00023; ExAC 0.00021; TOPMed 0.00022.
gnomAD v4.1: 696 of 1,612,738 alleles (0.043%); highest among the groups gnomAD compares: Middle Eastern, 0.082%; no homozygotes.

Submissions (13):

Labcorp Genetics (formerly Invitae), Labcorp
Classification: Likely benign for Dilated cardiomyopathy 1G; Autosomal recessive limb-girdle muscular dystrophy type 2J. Last evaluated: 2026-02-01. Review status: criteria provided, single submitter. Criteria: Invitae Variant Classification Sherloc (09022015). Collection method: clinical testing. Allele origin: germline.

Women's Health and Genetics/Laboratory Corporation of America, LabCorp
Classification: Likely benign. Last evaluated: 2024-12-12. Review status: criteria provided, single submitter. Criteria: LabCorp Variant Classification Summary - May 2015. Collection method: clinical testing. Allele origin: germline.

Blueprint Genetics
Classification: Likely benign. Last evaluated: 2024-10-22. Review status: criteria provided, single submitter. Criteria: ACMG Guidelines, 2015. Collection method: clinical testing. Allele origin: germline.

ARUP Laboratories, Molecular Genetics and Genomics, ARUP Laboratories
Classification: Likely benign. Last evaluated: 2019-12-20. Review status: criteria provided, single submitter. Criteria: ARUP Molecular Germline Variant Investigation Process. Collection method: clinical testing. Allele origin: germline.

GeneDx
Classification: Likely benign. Last evaluated: 2018-01-23. Review status: criteria provided, single submitter. Criteria: GeneDx Variant Classification (06012015). Collection method: clinical testing. Allele origin: germline. Affected: yes.
Comment: This variant is considered likely benign or benign based on one or more of the following criteria: it is a conservative change, it occurs at a poorly conserved position in the protein, it is predicted to be benign by multiple in silico algorithms, and/or has population frequency not consistent with disease.

Illumina Laboratory Services, Illumina
Classification: Likely benign for Myopathy, myofibrillar, 9, with early respiratory failure. Last evaluated: 2018-01-13. Review status: criteria provided, single submitter. Criteria: ICSL Variant Classification Criteria 13 December 2019. Collection method: clinical testing. Allele origin: germline.
Comment: This variant was observed in the ICSL laboratory as part of a predisposition screen in an ostensibly healthy population. It had not been previously curated by ICSL or reported in the Human Gene Mutation Database (HGMD: prior to June 1st, 2018), and was therefore a candidate for classification through an automated scoring system. Utilizing variant allele frequency, disease prevalence and penetrance estimates, and inheritance mode, an automated score was calculated to assess if this variant is too frequent to cause the disease. Based on the score and internal cut-off values, a variant classified as likely benign is not then subjected to further curation. The score for this variant resulted in a classification of likely benign for this disease.

Illumina Laboratory Services, Illumina
Classification: Uncertain significance for Early-onset myopathy with fatal cardiomyopathy. Last evaluated: 2018-01-13. Review status: criteria provided, single submitter. Criteria: ICSL Variant Classification Criteria 13 December 2019. Collection method: clinical testing. Allele origin: germline.

Illumina Laboratory Services, Illumina
Classification: Benign for Tibial muscular dystrophy. Last evaluated: 2018-01-13. Review status: criteria provided, single submitter. Criteria: ICSL Variant Classification Criteria 13 December 2019. Collection method: clinical testing. Allele origin: germline.
Comment: This variant was observed in the ICSL laboratory as part of a predisposition screen in an ostensibly healthy population. It had not been previously curated by ICSL or reported in the Human Gene Mutation Database (HGMD: prior to June 1st, 2018), and was therefore a candidate for classification through an automated scoring system. Utilizing variant allele frequency, disease prevalence and penetrance estimates, and inheritance mode, an automated score was calculated to assess if this variant is too frequent to cause the disease. Based on the score and internal cut-off values, a variant classified as benign is not then subjected to further curation. The score for this variant resulted in a classification of benign for this disease.

Illumina Laboratory Services, Illumina
Classification: Uncertain significance for Dilated cardiomyopathy 1G. Last evaluated: 2018-01-13. Review status: criteria provided, single submitter. Criteria: ICSL Variant Classification Criteria 13 December 2019. Collection method: clinical testing. Allele origin: germline.

Illumina Laboratory Services, Illumina
Classification: Uncertain significance for Autosomal recessive limb-girdle muscular dystrophy type 2J. Last evaluated: 2018-01-13. Review status: criteria provided, single submitter. Criteria: ICSL Variant Classification Criteria 13 December 2019. Collection method: clinical testing. Allele origin: germline.

Laboratory for Molecular Medicine, Mass General Brigham Personalized Medicine
Classification: Likely benign. Last evaluated: 2015-09-08. Review status: criteria provided, single submitter. Criteria: LMM Criteria. Collection method: clinical testing. Allele origin: germline. Observed: 2 variant alleles.
Comment: c.99673+14C>T in intron 310 of TTN: This variant is not expected to have clinica l significance because it is not located within the splice consensus sequence. I t has been identified in 17/66470 European chromosomes by the Exome Aggregation Consortium (ExAC; dbSNP rs367908657).

Clinical Genetics DNA and cytogenetics Diagnostics Lab, Erasmus MC, Erasmus Medical Center
Classification: Benign. Review status: no assertion criteria provided. Collection method: clinical testing. Allele origin: germline. Affected: yes. Study: VKGL Data-share Consensus. Not counted in ClinVar's aggregate classification.

Clinical Genetics, Academic Medical Center
Classification: Benign. Review status: no assertion criteria provided. Collection method: clinical testing. Allele origin: germline. Affected: yes. Study: VKGL Data-share Consensus. Not counted in ClinVar's aggregate classification.